The following is an entry in ClinVar:

ClinVar aggregate classification (germline): Uncertain significance. Review status: criteria provided, multiple submitters, no conflicts (2 of 4 stars). 3 submissions from 3 submitters: Uncertain significance (2). 1 of the submissions does not count toward it. Last evaluated 2025-09-23.

Conditions:
FAT1-related disorder. Also called: FAT1-related condition.

Allele frequency attached by ClinVar (database versions not stated): gnomAD 0.00049; TOPMed 0.00051; ESP Exome Variant Server 0.00066; ExAC 0.00015; 1000 Genomes Project 30x 0.00031; 1000 Genomes Project 0.00040.
gnomAD v4.1: 144 of 1,613,936 alleles (0.0089%); highest among the groups gnomAD compares: African/African-American, 0.17%; 1 homozygote.

Submissions (3):

Labcorp Genetics (formerly Invitae), Labcorp
Classification: Uncertain significance. Last evaluated: 2025-09-23. Review status: criteria provided, single submitter. Criteria: Invitae Variant Classification Sherloc (09022015). Collection method: clinical testing. Allele origin: germline.
Comment: This sequence change replaces isoleucine, which is neutral and non-polar, with valine, which is neutral and non-polar, at codon 1073 of the FAT1 protein (p.Ile1073Val). This variant is present in population databases (rs138369597, gnomAD 0.2%). This variant has not been reported in the literature in individuals affected with FAT1-related conditions. ClinVar contains an entry for this variant (Variation ID: 2045121). Invitae Evidence Modeling of protein sequence and biophysical properties (such as structural, functional, and spatial information, amino acid conservation, physicochemical variation, residue mobility, and thermodynamic stability) indicates that this missense variant is not expected to disrupt FAT1 protein function with a negative predictive value of 80%. In summary, the available evidence is currently insufficient to determine the role of this variant in disease. Therefore, it has been classified as a Variant of Uncertain Significance.

GeneDx
Classification: Uncertain significance. Last evaluated: 2024-04-12. Review status: criteria provided, single submitter. Criteria: GeneDx Variant Classification Process June 2021. Collection method: clinical testing. Allele origin: germline. Affected: yes.
Comment: In silico analysis indicates that this missense variant does not alter protein structure/function; Has not been previously published as pathogenic or benign to our knowledge

PreventionGenetics, part of Exact Sciences
Classification: Likely benign for FAT1-related condition. Last evaluated: 2023-12-27. Review status: no assertion criteria provided. Collection method: clinical testing. Allele origin: germline. Not counted in ClinVar's aggregate classification.
Comment: This variant is classified as likely benign based on ACMG/AMP sequence variant interpretation guidelines (Richards et al. 2015 PMID: 25741868, with internal and published modifications).

NM_005245.4(FAT1):c.3217A>G (p.Ile1073Val)

Gene: FAT1 (FAT atypical cadherin 1; minus strand). Cytogenetic location: 4q35.2.
Variant type: single nucleotide variant.
Coding change: c.3217A>G on transcript NM_005245.4 (MANE Select); coding-DNA position 3217, A replaced by G.
Protein change: p.Ile1073Val; replaces isoleucine 1073 with valine.
Molecular consequence: missense variant.
Genome position (GRCh38, 1-based): chr4:186,706,611, T>C on the plus strand (A>G on the coding strand, the complement: FAT1 is on the minus strand). VCF-style: chr4-186706611-T-C. GRCh37 (hg19) VCF-style: chr4-187627765-T-C.
Other names: c.3217A>G (NM_005245.3); short protein forms I1073V.
Identifiers: ClinVar variation 2045121 (VCV002045121.5), dbSNP rs138369597, ClinGen allele CA3167084.
Genomic context (GRCh38, chr4:186,706,611, plus strand): 5'-AAACATATTTACCTGTCTCTTCACCTATTTTGAAAACACCAACGCCAGAGCCATCTCTAA[T>C]GGAGTATCGGATCTCCCCATCTCTTCTGGCGTCCTCATCATGAGCCGACACCGTCATTAC-3'
Protein context (NP_005236.2, residues 1063-1083): ARRDGEIRYS[Ile1073Val]RDGSGVGVFK